The following is an entry in ClinVar:

ClinVar aggregate classification (germline): Uncertain significance (1 of 4 stars; one submission).

Conditions:
Neurofibromatosis, type 1 (NF1). Also called: VON RECKLINGHAUSEN DISEASE; Neurofibromatosis, type I; NEUROFIBROMATOSIS, TYPE I, SOMATIC; Peripheral type neurofibromatosis. Identifiers: Orphanet 636, MedGen C0027831, MONDO:0018975, OMIM 162200. Disease mechanism: loss of function.

Submission:

Labcorp Genetics (formerly Invitae), Labcorp
Classification: Uncertain significance for Neurofibromatosis, type 1. Last evaluated: 2025-02-25. Review status: criteria provided, single submitter. Criteria: Invitae Variant Classification Sherloc (09022015). Collection method: clinical testing. Allele origin: germline.
Comment: This sequence change replaces tyrosine, which is neutral and polar, with phenylalanine, which is neutral and non-polar, at codon 1573 of the NF1 protein (p.Tyr1573Phe). This variant is not present in population databases (gnomAD no frequency). This variant has not been reported in the literature in individuals affected with NF1-related conditions. Invitae Evidence Modeling of protein sequence and biophysical properties (such as structural, functional, and spatial information, amino acid conservation, physicochemical variation, residue mobility, and thermodynamic stability) has been performed for this missense variant. However, the output from this modeling did not meet the statistical confidence thresholds required to predict the impact of this variant on NF1 protein function. In summary, the available evidence is currently insufficient to determine the role of this variant in disease. Therefore, it has been classified as a Variant of Uncertain Significance.

NM_001042492.3(NF1):c.4781A>T (p.Tyr1594Phe)

Gene: NF1 (neurofibromin 1; plus strand). Cytogenetic location: 17q11.2.
Variant type: single nucleotide variant.
Coding change: c.4781A>T on transcript NM_001042492.3 (MANE Select); coding-DNA position 4781, A replaced by T.
Protein change: p.Tyr1594Phe; replaces tyrosine 1594 with phenylalanine.
Molecular consequence: missense variant.
Genome position (GRCh38, 1-based): chr17:31,265,285, A>T. VCF-style: chr17-31265285-A-T. GRCh37 (hg19) VCF-style: chr17-29592303-A-T.
Other names: c.4718A>T, p.Tyr1573Phe (NM_000267.4); short protein forms Y1573F, Y1594F.
Identifiers: ClinVar variation 4800771 (VCV004800771.1).